The following is an entry in ClinVar:

ClinVar aggregate classification (germline): Pathogenic. Review status: reviewed by expert panel (3 of 4 stars). 2 submissions from 2 submitters: Pathogenic (1). 1 of the submissions does not count toward it. Last evaluated 2016-10-18.

Conditions:
Breast-ovarian cancer, familial, susceptibility to, 2 (BROVCA2). Also called: BRCA2 Hereditary Breast and Ovarian Cancer. Identifiers: Orphanet 145, MedGen C2675520, MONDO:0012933, OMIM 612555. Disease mechanism: loss of function.

Submissions (2):

Evidence-based Network for the Interpretation of Germline Mutant Alleles (ENIGMA)
Classification: Pathogenic for Breast-ovarian cancer, familial, susceptibility to, 2. Last evaluated: 2016-10-18. Review status: reviewed by expert panel. Criteria: ENIGMA BRCA1/2 Classification Criteria (2015). Collection method: curation. Allele origin: germline.
Comment: Variant allele predicted to encode a truncated non-functional protein.

Consortium of Investigators of Modifiers of BRCA1/2 (CIMBA), c/o University of Cambridge
Classification: Pathogenic for Breast-ovarian cancer, familial, susceptibility to, 2. Last evaluated: 2015-10-02. Review status: criteria provided, single submitter. Criteria: CIMBA Mutation Classification guidelines May 2016. Collection method: clinical testing. Allele origin: germline. Not counted in ClinVar's aggregate classification.

NC_000013.11:g.32339515_32339523delinsTACAA

Gene: BRCA2 (BRCA2 DNA repair associated; plus strand). Cytogenetic location: 13q13.1.
Variant type: Indel.
Genome position: GRCh38 VCF-style: chr13-32339515-AAACAGTAC-TACAA. GRCh37 (hg19) VCF-style: chr13-32913652-AAACAGTAC-TACAA.
Other names: 5388del9insTACAA; c.5160_5168delinsTACAA, p.Asn1721fs (LRG_293t1).
Identifiers: ClinVar variation 266855 (VCV000266855.5), dbSNP rs886040572, ClinGen allele CA10589293.